The following is an entry in ClinVar:

NM_016180.5(SLC45A2):c.757C>G (p.Gln253Glu)

Gene: SLC45A2 (solute carrier family 45 member 2; minus strand). Cytogenetic location: 5p13.2.
Variant type: single nucleotide variant.
Coding change: c.757C>G on transcript NM_016180.5 (MANE Select); coding-DNA position 757, C replaced by G.
Protein change: p.Gln253Glu; replaces glutamine 253 with glutamic acid.
Molecular consequence: missense variant. On other transcripts: intron variant (1).
Genome position (GRCh38, 1-based): chr5:33,963,822, G>C on the plus strand (C>G on the coding strand, the complement: SLC45A2 is on the minus strand). VCF-style: chr5-33963822-G-C. GRCh37 (hg19) VCF-style: chr5-33963927-G-C.
Other names: c.757C>G, p.Gln253Glu (NM_001012509.4); c.563-9318C>G (NM_001297417.4); short protein forms Q253E.
Identifiers: ClinVar variation 1947861 (VCV001947861.2), dbSNP rs1046253791, ClinGen allele CA116890438.

ClinVar aggregate classification (germline): Uncertain significance (1 of 4 stars; one submission).

Allele frequency attached by ClinVar (database versions not stated): TOPMed below 0.00001.
gnomAD v4.1: 4 of 1,614,162 alleles (0.00025%); highest among the groups gnomAD compares: Admixed American, 0.0017%; no homozygotes.

Submission:

Labcorp Genetics (formerly Invitae), Labcorp
Classification: Uncertain significance. Last evaluated: 2022-10-17. Review status: criteria provided, single submitter. Criteria: Invitae Variant Classification Sherloc (09022015). Collection method: clinical testing. Allele origin: germline.
Comment: This sequence change replaces glutamine, which is neutral and polar, with glutamic acid, which is acidic and polar, at codon 253 of the SLC45A2 protein (p.Gln253Glu). This variant is present in population databases (no rsID available, gnomAD 0.0009%). This variant has not been reported in the literature in individuals affected with SLC45A2-related conditions. Advanced modeling of protein sequence and biophysical properties (such as structural, functional, and spatial information, amino acid conservation, physicochemical variation, residue mobility, and thermodynamic stability) performed at Invitae indicates that this missense variant is not expected to disrupt SLC45A2 protein function. In summary, the available evidence is currently insufficient to determine the role of this variant in disease. Therefore, it has been classified as a Variant of Uncertain Significance.